The following is an entry in ClinVar:

NM_000352.6(ABCC8):c.1175A>T (p.Gln392Leu)

Gene: ABCC8 (ATP binding cassette subfamily C member 8; minus strand). Cytogenetic location: 11p15.1.
Variant type: single nucleotide variant.
Coding change: c.1175A>T on transcript NM_000352.6 (MANE Select); coding-DNA position 1175, A replaced by T.
Protein change: p.Gln392Leu; replaces glutamine 392 with leucine.
Molecular consequence: missense variant. On other transcripts: non-coding transcript variant (1).
Genome position (GRCh38, 1-based): chr11:17,453,120, T>A on the plus strand (A>T on the coding strand, the complement: ABCC8 is on the minus strand). VCF-style: chr11-17453120-T-A. GRCh37 (hg19) VCF-style: chr11-17474667-T-A.
Other names: c.1175A>T, p.Gln392Leu (NM_001287174.3, NM_001351295.2); c.1172A>T, p.Gln391Leu (NM_001351296.2, NM_001351297.2); short protein forms Q391L, Q392L.
Identifiers: ClinVar variation 4806523 (VCV004806523.1).

ClinVar aggregate classification (germline): Uncertain significance (1 of 4 stars; one submission).

Submission:

Labcorp Genetics (formerly Invitae), Labcorp
Classification: Uncertain significance. Last evaluated: 2025-08-03. Review status: criteria provided, single submitter. Criteria: Invitae Variant Classification Sherloc (09022015). Collection method: clinical testing. Allele origin: germline.
Comment: This sequence change replaces glutamine, which is neutral and polar, with leucine, which is neutral and non-polar, at codon 392 of the ABCC8 protein (p.Gln392Leu). This variant is not present in population databases (gnomAD no frequency). This variant has not been reported in the literature in individuals affected with ABCC8-related conditions. An algorithm developed to predict the effect of missense changes on protein structure and function (PolyPhen-2) suggests that this variant is likely to be tolerated. Algorithms developed to predict the effect of sequence changes on RNA splicing suggest that this variant may disrupt the consensus splice site. In summary, the available evidence is currently insufficient to determine the role of this variant in disease. Therefore, it has been classified as a Variant of Uncertain Significance.